The following is an entry in ClinVar:

ClinVar aggregate classification (germline): Conflicting classifications of pathogenicity. Review status: criteria provided, conflicting classifications (1 of 4 stars). 2 submissions from 2 submitters: Uncertain significance (1); Likely benign (1). Last evaluated 2023-04-07.

Allele frequency attached by ClinVar (database versions not stated): gnomAD exomes 0.00002; ExAC 0.00003; gnomAD 0.00004; TOPMed 0.00004.
gnomAD v4.1: 37 of 1,612,946 alleles (0.0023%); highest among the groups gnomAD compares: African/African-American, 0.0093%; no homozygotes.

Submissions (2):

Ambry Genetics
Classification: Likely benign. Last evaluated: 2023-04-07. Review status: criteria provided, single submitter. Criteria: Ambry Variant Classification Scheme 2023. Collection method: clinical testing. Allele origin: germline.

Labcorp Genetics (formerly Invitae), Labcorp
Classification: Uncertain significance. Last evaluated: 2022-02-18. Review status: criteria provided, single submitter. Criteria: Invitae Variant Classification Sherloc (09022015). Collection method: clinical testing. Allele origin: germline.
Comment: This sequence change replaces arginine, which is basic and polar, with glutamine, which is neutral and polar, at codon 1885 of the SBF1 protein (p.Arg1885Gln). This variant is present in population databases (rs779676706, gnomAD 0.005%). This variant has not been reported in the literature in individuals affected with SBF1-related conditions. Algorithms developed to predict the effect of missense changes on protein structure and function output the following: SIFT: "Tolerated"; PolyPhen-2: "Benign"; Align-GVGD: "Class C0". The glutamine amino acid residue is found in multiple mammalian species, which suggests that this missense change does not adversely affect protein function. In summary, the available evidence is currently insufficient to determine the role of this variant in disease. Therefore, it has been classified as a Variant of Uncertain Significance.

NM_002972.4(SBF1):c.5654G>A (p.Arg1885Gln)

Gene: SBF1 (SET binding factor 1; minus strand). Cytogenetic location: 22q13.33.
Variant type: single nucleotide variant.
Coding change: c.5654G>A on transcript NM_002972.4 (MANE Select); coding-DNA position 5654, G replaced by A.
Protein change: p.Arg1885Gln; replaces arginine 1885 with glutamine.
Molecular consequence: missense variant.
Genome position (GRCh38, 1-based): chr22:50,447,170, C>T on the plus strand (G>A on the coding strand, the complement: SBF1 is on the minus strand). VCF-style: chr22-50447170-C-T. GRCh37 (hg19) VCF-style: chr22-50885599-C-T.
Other names: c.5579G>A, p.Arg1860Gln (NM_001365819.1); c.5657G>A, p.Arg1886Gln (NM_001410794.1); c.5576G>A, p.Arg1859Gln (NM_001410795.1); c.5654G>A, p.Arg1885Gln (NM_197971.1); c.5654G>A (NM_002972.2); short protein forms R1860Q, R1885Q, R1859Q, R1886Q.
Identifiers: ClinVar variation 2192305 (VCV002192305.3), dbSNP rs779676706, ClinGen allele CA10315732.